The following is an entry in ClinVar:

NM_001377229.1(DISP1):c.349A>G (p.Met117Val)

Gene: DISP1 (dispatched RND transporter family member 1; plus strand). Cytogenetic location: 1q41.
Variant type: single nucleotide variant.
Coding change: c.349A>G on transcript NM_001377229.1 (MANE Select); coding-DNA position 349, A replaced by G.
Protein change: p.Met117Val; replaces methionine 117 with valine.
Molecular consequence: missense variant. On other transcripts: 5 prime UTR variant (1).
Genome position (GRCh38, 1-based): chr1:222,943,172, A>G. VCF-style: chr1-222943172-A-G. GRCh37 (hg19) VCF-style: chr1-223116514-A-G.
Other names: c.-539A>G (NM_001350630.2); c.349A>G, p.Met117Val (NM_001369594.1, NM_001377228.1, NM_032890.5); short protein forms M117V.
Identifiers: ClinVar variation 2228096 (VCV002228096.3), dbSNP rs139988084, ClinGen allele CA1408779.

ClinVar aggregate classification (germline): Uncertain significance. Review status: criteria provided, multiple submitters, no conflicts (2 of 4 stars). 2 submissions from 2 submitters: Uncertain significance (2). Last evaluated 2025-12-15.

Allele frequency attached by ClinVar (database versions not stated): gnomAD exomes 0.00001; ExAC 0.00006; ESP Exome Variant Server 0.00008; TOPMed 0.00017; gnomAD 0.00019.

Submissions (2):

Labcorp Genetics (formerly Invitae), Labcorp
Classification: Uncertain significance. Last evaluated: 2025-12-15. Review status: criteria provided, single submitter. Criteria: Invitae Variant Classification Sherloc (09022015). Collection method: clinical testing. Allele origin: germline.
Comment: This sequence change replaces methionine, which is neutral and non-polar, with valine, which is neutral and non-polar, at codon 117 of the DISP1 protein (p.Met117Val). This variant is present in population databases (rs139988084, gnomAD 0.07%). This variant has not been reported in the literature in individuals affected with DISP1-related conditions. ClinVar contains an entry for this variant (Variation ID: 2228096). An algorithm developed to predict the effect of missense changes on protein structure and function (PolyPhen-2) suggests that this variant is likely to be tolerated. In summary, the available evidence is currently insufficient to determine the role of this variant in disease. Therefore, it has been classified as a Variant of Uncertain Significance.

Ambry Genetics
Classification: Uncertain significance. Last evaluated: 2021-08-09. Review status: criteria provided, single submitter. Criteria: Ambry Variant Classification Scheme 2023. Collection method: clinical testing. Allele origin: germline.